The following is an entry in ClinVar:

ClinVar aggregate classification (germline): Conflicting classifications of pathogenicity. Review status: criteria provided, conflicting classifications (1 of 4 stars). 4 submissions from 4 submitters: Uncertain significance (3); Likely benign (1). Last evaluated 2025-12-12.

Conditions:
Hereditary cancer-predisposing syndrome. Also called: Hereditary neoplastic syndrome; Neoplastic Syndromes, Hereditary; Hereditary Cancer Syndrome; Tumor predisposition. Identifiers: Orphanet 140162, MedGen C0027672, MeSH D009386, MONDO:0015356.

Allele frequency attached by ClinVar (database versions not stated): gnomAD exomes below 0.00001; TOPMed below 0.00001; ExAC 0.00001; gnomAD 0.00001.
gnomAD v4.1: 4 of 1,613,490 alleles (0.00025%); highest among the groups gnomAD compares: Non-Finnish European, 0.00034%; no homozygotes.

Submissions (4):

Labcorp Genetics (formerly Invitae), Labcorp
Classification: Uncertain significance. Last evaluated: 2025-12-12. Review status: criteria provided, single submitter. Criteria: Invitae Variant Classification Sherloc (09022015). Collection method: clinical testing. Allele origin: germline.
Comment: This sequence change replaces alanine, which is neutral and non-polar, with threonine, which is neutral and polar, at codon 197 of the HOXB13 protein (p.Ala197Thr). This variant is present in population databases (rs756654236, gnomAD 0.002%). This variant has not been reported in the literature in individuals affected with HOXB13-related conditions. ClinVar contains an entry for this variant (Variation ID: 965074). Invitae Evidence Modeling of protein sequence and biophysical properties (such as structural, functional, and spatial information, amino acid conservation, physicochemical variation, residue mobility, and thermodynamic stability) indicates that this missense variant is not expected to disrupt HOXB13 protein function with a negative predictive value of 80%. In summary, the available evidence is currently insufficient to determine the role of this variant in disease. Therefore, it has been classified as a Variant of Uncertain Significance.

Ambry Genetics
Classification: Likely benign for Hereditary cancer-predisposing syndrome. Last evaluated: 2025-03-01. Review status: criteria provided, single submitter. Criteria: Ambry Variant Classification Scheme 2023. Collection method: clinical testing. Allele origin: germline.

GeneDx
Classification: Uncertain significance. Last evaluated: 2025-02-20. Review status: criteria provided, single submitter. Criteria: GeneDx Variant Classification Process June 2021. Collection method: clinical testing. Allele origin: germline. Affected: yes.
Comment: Not observed at significant frequency in large population cohorts (gnomAD); In silico analysis indicates that this missense variant does not alter protein structure/function; Has not been previously published as pathogenic or benign to our knowledge; This variant is associated with the following publications: (PMID: 19389631)

Quest Diagnostics Nichols Institute San Juan Capistrano
Classification: Uncertain significance. Last evaluated: 2024-11-29. Review status: criteria provided, single submitter. Criteria: Quest Diagnostics criteria. Collection method: clinical testing. Allele origin: unknown.
Comment: The HOXB13 c.589G>A (p.Ala197Thr) variant has not been reported in individuals with HOXB13-related conditions in the published literature. The frequency of this variant in the general population, 0.000032 (1/31392 chromosomes (Genome Aggregation Database)), is uninformative in the assessment of its pathogenicity. Analysis of this variant using bioinformatics tools for the prediction of the effect of amino acid changes on protein structure and function yielded predictions that this variant is benign. Based on the available information, we are unable to determine the clinical significance of this variant.

NM_006361.6(HOXB13):c.589G>A (p.Ala197Thr)

Gene: HOXB13 (homeobox B13; minus strand). Cytogenetic location: 17q21.32.
Variant type: single nucleotide variant.
Coding change: c.589G>A on transcript NM_006361.6 (MANE Select); coding-DNA position 589, G replaced by A.
Protein change: p.Ala197Thr; replaces alanine 197 with threonine.
Molecular consequence: missense variant.
Genome position (GRCh38, 1-based): chr17:48,728,005, C>T on the plus strand (G>A on the coding strand, the complement: HOXB13 is on the minus strand). VCF-style: chr17-48728005-C-T. GRCh37 (hg19) VCF-style: chr17-46805367-C-T.
Other names: short protein forms A197T.
Identifiers: ClinVar variation 965074 (VCV000965074.13), dbSNP rs756654236, ClinGen allele CA8633964.